The following is an entry in ClinVar:

ClinVar aggregate classification (germline): Uncertain significance. Review status: criteria provided, multiple submitters, no conflicts (2 of 4 stars). 2 submissions from 2 submitters: Uncertain significance (2). Last evaluated 2022-05-19.

Allele frequency attached by ClinVar (database versions not stated): gnomAD exomes 0.00001 and 0.00003; gnomAD 0.00002; ExAC 0.00003; TOPMed 0.00004; ESP Exome Variant Server 0.00023.
gnomAD v4.1: 20 of 1,613,870 alleles (0.0012%); highest among the groups gnomAD compares: African/African-American, 0.008%; no homozygotes.

Submissions (2):

Labcorp Genetics (formerly Invitae), Labcorp
Classification: Uncertain significance. Last evaluated: 2022-05-19. Review status: criteria provided, single submitter. Criteria: Invitae Variant Classification Sherloc (09022015). Collection method: clinical testing. Allele origin: germline.
Comment: In summary, the available evidence is currently insufficient to determine the role of this variant in disease. Therefore, it has been classified as a Variant of Uncertain Significance. Algorithms developed to predict the effect of missense changes on protein structure and function (SIFT, PolyPhen-2, Align-GVGD) all suggest that this variant is likely to be tolerated. This variant has not been reported in the literature in individuals affected with P3H2-related conditions. This variant is present in population databases (rs143105580, gnomAD 0.03%). This sequence change replaces arginine, which is basic and polar, with histidine, which is basic and polar, at codon 297 of the P3H2 protein (p.Arg297His).

Blueprint Genetics
Classification: Uncertain significance. Last evaluated: 2022-01-12. Review status: criteria provided, single submitter. Criteria: ACMG Guidelines, 2015. Collection method: clinical testing. Allele origin: germline.

NM_018192.4(P3H2):c.890G>A (p.Arg297His)

Gene: P3H2 (prolyl 3-hydroxylase 2; minus strand). Cytogenetic location: 3q28.
Variant type: single nucleotide variant.
Coding change: c.890G>A on transcript NM_018192.4 (MANE Select); coding-DNA position 890, G replaced by A.
Protein change: p.Arg297His; replaces arginine 297 with histidine.
Molecular consequence: missense variant.
Genome position (GRCh38, 1-based): chr3:189,988,972, C>T on the plus strand (G>A on the coding strand, the complement: P3H2 is on the minus strand). VCF-style: chr3-189988972-C-T. GRCh37 (hg19) VCF-style: chr3-189706761-C-T.
Other names: c.347G>A, p.Arg116His (NM_001134418.2); short protein forms R116H, R297H.
Identifiers: ClinVar variation 1469487 (VCV001469487.9), dbSNP rs143105580, ClinGen allele CA2753183.